The following is an entry in ClinVar:

ClinVar aggregate classification (germline): Uncertain significance (1 of 4 stars; one submission).

Allele frequency attached by ClinVar (database versions not stated): gnomAD 0.00001; 1000 Genomes Project 0.00020; 1000 Genomes Project 30x 0.00031.
gnomAD v4.1: 9 of 1,613,984 alleles (0.00056%); highest among the groups gnomAD compares: East Asian, 0.0022%; no homozygotes.

Submission:

Labcorp Genetics (formerly Invitae), Labcorp
Classification: Uncertain significance. Last evaluated: 2024-10-31. Review status: criteria provided, single submitter. Criteria: Invitae Variant Classification Sherloc (09022015). Collection method: clinical testing. Allele origin: germline.
Comment: This sequence change replaces serine, which is neutral and polar, with threonine, which is neutral and polar, at codon 762 of the RPS6KC1 protein (p.Ser762Thr). This variant is present in population databases (rs570315239, gnomAD 0.003%). This variant has not been reported in the literature in individuals affected with RPS6KC1-related conditions. ClinVar contains an entry for this variant (Variation ID: 1371691). An algorithm developed to predict the effect of missense changes on protein structure and function (PolyPhen-2) suggests that this variant is likely to be tolerated. In summary, the available evidence is currently insufficient to determine the role of this variant in disease. Therefore, it has been classified as a Variant of Uncertain Significance.

NM_012424.6(RPS6KC1):c.2285G>C (p.Ser762Thr)

Gene: RPS6KC1 (ribosomal protein S6 kinase C1; plus strand). Cytogenetic location: 1q32.3.
Variant type: single nucleotide variant.
Coding change: c.2285G>C on transcript NM_012424.6 (MANE Select); coding-DNA position 2285, G replaced by C.
Protein change: p.Ser762Thr; replaces serine 762 with threonine.
Molecular consequence: missense variant. On other transcripts: non-coding transcript variant (4).
Genome position (GRCh38, 1-based): chr1:213,241,761, G>C. VCF-style: chr1-213241761-G-C. GRCh37 (hg19) VCF-style: chr1-213415104-G-C.
Other names: c.2249G>C, p.Ser750Thr (NM_001136138.4); c.1649G>C, p.Ser550Thr (NM_001287218.3, NM_001287219.3, NM_001349654.2); c.890G>C, p.Ser297Thr (NM_001287220.3, NM_001349663.2, NM_001349664.2 and 8 more transcripts); c.1742G>C, p.Ser581Thr (NM_001287221.3, NM_001349648.2, NM_001349649.2 and 4 more transcripts); c.2192G>C, p.Ser731Thr (NM_001349646.2); c.1922G>C, p.Ser641Thr (NM_001349647.2); c.1394G>C, p.Ser465Thr (NM_001349657.2, NM_001349658.2); c.1229G>C, p.Ser410Thr (NM_001349659.2, NM_001349660.2, NM_001349661.2 and 1 more transcripts); short protein forms S297T, S410T, S641T, S762T, S465T, S550T, S581T, S731T.
Identifiers: ClinVar variation 1371691 (VCV001371691.6), dbSNP rs570315239, ClinGen allele CA1387591.